The following is an entry in ClinVar:

NM_015346.4(ZFYVE26):c.887-1G>C

Gene: ZFYVE26 (zinc finger FYVE-type containing 26; minus strand). Cytogenetic location: 14q24.1.
Variant type: single nucleotide variant.
Coding change: c.887-1G>C on transcript NM_015346.4 (MANE Select); the canonical splice acceptor site of the intron before coding-DNA position 887, G replaced by C.
Molecular consequence: splice acceptor variant.
Genome position (GRCh38, 1-based): chr14:67,806,676, C>G on the plus strand (G>C on the coding strand, the complement: ZFYVE26 is on the minus strand). VCF-style: chr14-67806676-C-G. GRCh37 (hg19) VCF-style: chr14-68273393-C-G.
Identifiers: ClinVar variation 2959053 (VCV002959053.4), dbSNP rs2040187118, ClinGen allele CA390160419.

ClinVar aggregate classification (germline): Likely pathogenic (1 of 4 stars; one submission).

Conditions:
Spastic paraplegia. Identifiers: MedGen C0037772, HP:0001258.

Allele frequency attached by ClinVar (database versions not stated): TOPMed below 0.00001.

Submission:

Labcorp Genetics (formerly Invitae), Labcorp
Classification: Likely pathogenic for Spastic paraplegia. Last evaluated: 2024-01-26. Review status: criteria provided, single submitter. Criteria: Invitae Variant Classification Sherloc (09022015). Collection method: clinical testing. Allele origin: germline.
Comment: This sequence change affects an acceptor splice site in intron 5 of the ZFYVE26 gene. It is expected to disrupt RNA splicing. Variants that disrupt the donor or acceptor splice site typically lead to a loss of protein function (PMID: 16199547), and loss-of-function variants in ZFYVE26 are known to be pathogenic (PMID: 18394578, 19805727). This variant is not present in population databases (gnomAD no frequency). This variant has not been reported in the literature in individuals affected with ZFYVE26-related conditions. Algorithms developed to predict the effect of sequence changes on RNA splicing suggest that this variant may disrupt the consensus splice site. In summary, the currently available evidence indicates that the variant is pathogenic, but additional data are needed to prove that conclusively. Therefore, this variant has been classified as Likely Pathogenic.

Literature cited by the submitters: PubMed 16199547; PubMed 18394578; PubMed 19805727.